The following is an entry in ClinVar:

NM_001130438.3(SPTAN1):c.2963T>C (p.Met988Thr)

Gene: SPTAN1 (spectrin alpha, non-erythrocytic 1; plus strand). Cytogenetic location: 9q34.11.
Variant type: single nucleotide variant.
Coding change: c.2963T>C on transcript NM_001130438.3 (MANE Select); coding-DNA position 2963, T replaced by C.
Protein change: p.Met988Thr; replaces methionine 988 with threonine.
Molecular consequence: missense variant.
Genome position (GRCh38, 1-based): chr9:128,588,900, T>C. VCF-style: chr9-128588900-T-C. GRCh37 (hg19) VCF-style: chr9-131351179-T-C.
Other names: c.2963T>C, p.Met988Thr (NM_001195532.2, NM_001363759.2, NM_001363765.2 and 10 more transcripts); c.2999T>C, p.Met1000Thr (NM_001375312.2, NM_001375318.1, NM_001438440.1); short protein forms M1000T, M988T.
Identifiers: ClinVar variation 4717073 (VCV004717073.1).

ClinVar aggregate classification (germline): Uncertain significance (1 of 4 stars; one submission).

Conditions:
Early-infantile DEE. Also called: Early infantile epileptic encephalopathy; Ohtahara syndrome; Early infantile epileptic encephalopathy with suppression bursts. Identifiers: Orphanet 1934, MedGen C0393706, MONDO:0800491.

Submission:

Labcorp Genetics (formerly Invitae), Labcorp
Classification: Uncertain significance for Early-infantile DEE. Last evaluated: 2025-03-03. Review status: criteria provided, single submitter. Criteria: Invitae Variant Classification Sherloc (09022015). Collection method: clinical testing. Allele origin: germline.
Comment: This sequence change replaces methionine, which is neutral and non-polar, with threonine, which is neutral and polar, at codon 988 of the SPTAN1 protein (p.Met988Thr). This variant is not present in population databases (gnomAD no frequency). This variant has not been reported in the literature in individuals affected with SPTAN1-related conditions. Invitae Evidence Modeling of protein sequence and biophysical properties (such as structural, functional, and spatial information, amino acid conservation, physicochemical variation, residue mobility, and thermodynamic stability) has been performed for this missense variant. However, the output from this modeling did not meet the statistical confidence thresholds required to predict the impact of this variant on SPTAN1 protein function. In summary, the available evidence is currently insufficient to determine the role of this variant in disease. Therefore, it has been classified as a Variant of Uncertain Significance.